The following is an entry in ClinVar:

NM_001384732.1(CPLANE1):c.5896A>G (p.Lys1966Glu)

Gene: CPLANE1 (ciliogenesis and planar polarity effector complex subunit 1; minus strand). Cytogenetic location: 5p13.2.
Variant type: single nucleotide variant.
Coding change: c.5896A>G on transcript NM_001384732.1 (MANE Select); coding-DNA position 5896, A replaced by G.
Protein change: p.Lys1966Glu; replaces lysine 1966 with glutamic acid.
Molecular consequence: missense variant.
Genome position (GRCh38, 1-based): chr5:37,177,625, T>C on the plus strand (A>G on the coding strand, the complement: CPLANE1 is on the minus strand). VCF-style: chr5-37177625-T-C. GRCh37 (hg19) VCF-style: chr5-37177727-T-C.
Other names: c.5896A>G, p.Lys1966Glu (NM_023073.4); short protein forms K1966E.
Identifiers: ClinVar variation 1909613 (VCV001909613.5), dbSNP rs1472642121, ClinGen allele CA359487084.

ClinVar aggregate classification (germline): Uncertain significance (1 of 4 stars; one submission).

Allele frequency attached by ClinVar (database versions not stated): gnomAD exomes below 0.00001; TOPMed below 0.00001; gnomAD 0.00001.
gnomAD v4.1: 2 of 1,612,914 alleles (0.00012%); highest among the groups gnomAD compares: African/African-American, 0.0013%; no homozygotes.

Submission:

Labcorp Genetics (formerly Invitae), Labcorp
Classification: Uncertain significance. Last evaluated: 2022-03-17. Review status: criteria provided, single submitter. Criteria: Invitae Variant Classification Sherloc (09022015). Collection method: clinical testing. Allele origin: germline.
Comment: This sequence change replaces lysine, which is basic and polar, with glutamic acid, which is acidic and polar, at codon 1966 of the CPLANE1 protein (p.Lys1966Glu). In summary, the available evidence is currently insufficient to determine the role of this variant in disease. Therefore, it has been classified as a Variant of Uncertain Significance. Advanced modeling of protein sequence and biophysical properties (such as structural, functional, and spatial information, amino acid conservation, physicochemical variation, residue mobility, and thermodynamic stability) performed at Invitae indicates that this missense variant is not expected to disrupt CPLANE1 protein function. This variant has not been reported in the literature in individuals affected with CPLANE1-related conditions. This variant is present in population databases (no rsID available, gnomAD 0.007%).